The following is an entry in ClinVar:

NM_014956.5(CEP164):c.688-2A>C

Gene: CEP164 (centrosomal protein 164; plus strand). Cytogenetic location: 11q23.3.
Variant type: single nucleotide variant.
Coding change: c.688-2A>C on transcript NM_014956.5 (MANE Select); the canonical splice acceptor site of the intron before coding-DNA position 688, A replaced by C.
Molecular consequence: splice acceptor variant.
Genome position (GRCh38, 1-based): chr11:117,363,427, A>C. VCF-style: chr11-117363427-A-C. GRCh37 (hg19) VCF-style: chr11-117234143-A-C.
Other names: c.688-2A>C (NM_001271933.2, NM_014956.4).
Identifiers: ClinVar variation 1062608 (VCV001062608.10), dbSNP rs370034077, ClinGen allele CA6294559.

ClinVar aggregate classification (germline): Conflicting classifications of pathogenicity. Review status: criteria provided, conflicting classifications (1 of 4 stars). 3 submissions from 3 submitters: Likely pathogenic (2); Uncertain significance (1). Last evaluated 2025-12-04.

Conditions:
CEP164-related disorder. Also called: CEP164-related condition.
Nephronophthisis 15 (NPHP15). Identifiers: Orphanet 3156, MedGen C3541853, MONDO:0013917, OMIM 614845.

Allele frequency attached by ClinVar (database versions not stated): ESP Exome Variant Server 0.00008; gnomAD exomes 0.00009.
gnomAD v4.1: 130 of 1,611,812 alleles (0.0081%); highest among the groups gnomAD compares: Non-Finnish European, 0.011%; no homozygotes.

Submissions (3):

PreventionGenetics, part of Exact Sciences
Classification: Likely pathogenic for CEP164-related condition. Last evaluated: 2025-12-04. Review status: criteria provided, single submitter. Criteria: ACMG Guidelines, 2015. Collection method: clinical testing. Allele origin: germline.
Comment: The CEP164 c.688-2A>C variant is predicted to disrupt the AG splice acceptor site and interfere with normal splicing. This variant was reported in a carrier analysis of autosomal recessive inherited retinal diseases (Table S3 in Hanany et al. 2020. PubMed ID: 31964843). This variant is reported in 0.0062% of alleles in individuals of African descent in gnomAD. Variants that disrupt the consensus splice acceptor site in CEP164 are expected to be pathogenic. This variant is interpreted as likely pathogenic.

Labcorp Genetics (formerly Invitae), Labcorp
Classification: Likely pathogenic for Nephronophthisis 15. Last evaluated: 2025-04-14. Review status: criteria provided, single submitter. Criteria: Invitae Variant Classification Sherloc (09022015). Collection method: clinical testing. Allele origin: germline.
Comment: This sequence change affects an acceptor splice site in intron 7 of the CEP164 gene. It is expected to disrupt RNA splicing. Variants that disrupt the donor or acceptor splice site typically lead to a loss of protein function (PMID: 16199547), and loss-of-function variants in CEP164 are known to be pathogenic (PMID: 22863007, 28125082, 32367404, 34132027, 34499853). This variant is present in population databases (rs370034077, gnomAD 0.007%). This variant has not been reported in the literature in individuals affected with CEP164-related conditions. ClinVar contains an entry for this variant (Variation ID: 1062608). Algorithms developed to predict the effect of sequence changes on RNA splicing suggest that this variant may disrupt the consensus splice site. In summary, the currently available evidence indicates that the variant is pathogenic, but additional data are needed to prove that conclusively. Therefore, this variant has been classified as Likely Pathogenic.

Blueprint Genetics
Classification: Uncertain significance. Last evaluated: 2024-01-08. Review status: criteria provided, single submitter. Criteria: ACMG Guidelines, 2015. Collection method: clinical testing. Allele origin: germline.

Literature cited by the submitters: PubMed 16199547 (cited by Labcorp Genetics (formerly Invitae), Labcorp); PubMed 22863007 (cited by Labcorp Genetics (formerly Invitae), Labcorp); PubMed 28125082 (cited by Labcorp Genetics (formerly Invitae), Labcorp); PubMed 32367404 (cited by Labcorp Genetics (formerly Invitae), Labcorp); PubMed 34132027 (cited by Labcorp Genetics (formerly Invitae), Labcorp); PubMed 34499853 (cited by Labcorp Genetics (formerly Invitae), Labcorp).